The following is an entry in ClinVar:

ClinVar aggregate classification (germline): Uncertain significance (1 of 4 stars; one submission).

Allele frequency attached by ClinVar (database versions not stated): gnomAD exomes below 0.00001.
gnomAD v4.1: 1 of 1,541,096 alleles (0.000065%); highest among the groups gnomAD compares: Non-Finnish European, 0.000087%; no homozygotes.

Submission:

Labcorp Genetics (formerly Invitae), Labcorp
Classification: Uncertain significance. Last evaluated: 2023-12-02. Review status: criteria provided, single submitter. Criteria: Invitae Variant Classification Sherloc (09022015). Collection method: clinical testing. Allele origin: germline.
Comment: This sequence change replaces aspartic acid, which is acidic and polar, with asparagine, which is neutral and polar, at codon 1413 of the NOTCH3 protein (p.Asp1413Asn). This variant is not present in population databases (gnomAD no frequency). This variant has not been reported in the literature in individuals affected with NOTCH3-related conditions. Advanced modeling of protein sequence and biophysical properties (such as structural, functional, and spatial information, amino acid conservation, physicochemical variation, residue mobility, and thermodynamic stability) performed at Invitae indicates that this missense variant is not expected to disrupt NOTCH3 protein function with a negative predictive value of 95%. In summary, the available evidence is currently insufficient to determine the role of this variant in disease. Therefore, it has been classified as a Variant of Uncertain Significance.

NM_000435.3(NOTCH3):c.4237G>A (p.Asp1413Asn)

Genes: NOTCH3 (notch receptor 3; minus strand), LOC130063807 (ATAC-STARR-seq lymphoblastoid silent region 10267; plus strand). Cytogenetic location: 19p13.12.
Variant type: single nucleotide variant.
Coding change: c.4237G>A on transcript NM_000435.3 (MANE Select); coding-DNA position 4237, G replaced by A.
Protein change: p.Asp1413Asn; replaces aspartic acid 1413 with asparagine.
Molecular consequence: missense variant.
Genome position (GRCh38, 1-based): chr19:15,177,691, C>T on the plus strand (G>A on the coding strand, the complement: NOTCH3 is on the minus strand). VCF-style: chr19-15177691-C-T. GRCh37 (hg19) VCF-style: chr19-15288502-C-T.
Other names: short protein forms D1413N.
Identifiers: ClinVar variation 2869233 (VCV002869233.3), dbSNP rs2512637138, ClinGen allele CA404504012.
Genomic context (GRCh38, chr19:15,177,691, plus strand): 5'-ACTGCAGCGCCTCGCATTGCCGCCAGGGGTCGCCCACGCTCAGCGAGCAGTCGCCGCCGT[C>T]CCAGCCGCAGCCTGGGCTGTTGCACTCGCGGTCGCAGCGCTGGTCCCCGCGCTTGGCCTG-3'
Protein context (NP_000426.2, residues 1403-1423): RECNSPGCGW[Asp1413Asn]GGDCSLSVGD